The following is an entry in ClinVar:

ClinVar aggregate classification (germline): Uncertain significance (1 of 4 stars; one submission).

Allele frequency attached by ClinVar (database versions not stated): gnomAD exomes below 0.00001; gnomAD 0.00002; TOPMed 0.00004.
gnomAD v4.1: 4 of 1,613,694 alleles (0.00025%); highest among the groups gnomAD compares: African/African-American, 0.0053%; no homozygotes.

Submission:

Labcorp Genetics (formerly Invitae), Labcorp
Classification: Uncertain significance. Last evaluated: 2024-08-02. Review status: criteria provided, single submitter. Criteria: Invitae Variant Classification Sherloc (09022015). Collection method: clinical testing. Allele origin: germline.
Comment: This sequence change replaces arginine, which is basic and polar, with tryptophan, which is neutral and slightly polar, at codon 460 of the ADSSL1 protein (p.Arg460Trp). This variant is present in population databases (no rsID available, gnomAD 0.008%). This variant has not been reported in the literature in individuals affected with ADSSL1-related conditions. ClinVar contains an entry for this variant (Variation ID: 1682025). An algorithm developed to predict the effect of missense changes on protein structure and function (PolyPhen-2) suggests that this variant is likely to be disruptive. In summary, the available evidence is currently insufficient to determine the role of this variant in disease. Therefore, it has been classified as a Variant of Uncertain Significance.

NM_152328.5(ADSS1):c.1249A>T (p.Arg417Trp)

Gene: ADSS1 (adenylosuccinate synthase 1; plus strand). Cytogenetic location: 14q32.33.
Variant type: single nucleotide variant.
Coding change: c.1249A>T on transcript NM_152328.5 (MANE Select); coding-DNA position 1249, A replaced by T.
Protein change: p.Arg417Trp; replaces arginine 417 with tryptophan.
Molecular consequence: missense variant.
Genome position (GRCh38, 1-based): chr14:104,746,313, A>T. VCF-style: chr14-104746313-A-T. GRCh37 (hg19) VCF-style: chr14-105212650-A-T.
Other names: c.634A>T, p.Arg212Trp (NM_001320424.1); c.1378A>T, p.Arg460Trp (NM_199165.2); short protein forms R212W, R417W, R460W.
Identifiers: ClinVar variation 1682025 (VCV001682025.7), dbSNP rs1470435167, ClinGen allele CA391244957.